The following is an entry in ClinVar:

ClinVar aggregate classification (germline): Uncertain significance (1 of 4 stars; one submission).

Allele frequency attached by ClinVar (database versions not stated): gnomAD exomes below 0.00001 and 0.00001; gnomAD 0.00003; TOPMed 0.00003.
gnomAD v4.1: 15 of 1,613,992 alleles (0.00093%); highest among the groups gnomAD compares: African/African-American, 0.0093%; no homozygotes.

Submission:

Labcorp Genetics (formerly Invitae), Labcorp
Classification: Uncertain significance. Last evaluated: 2025-11-06. Review status: criteria provided, single submitter. Criteria: Invitae Variant Classification Sherloc (09022015). Collection method: clinical testing. Allele origin: germline.
Comment: This sequence change replaces arginine, which is basic and polar, with glutamine, which is neutral and polar, at codon 570 of the PPP2R5D protein (p.Arg570Gln). This variant is present in population databases (no rsID available, gnomAD 0.008%). This variant has not been reported in the literature in individuals affected with PPP2R5D-related conditions. ClinVar contains an entry for this variant (Variation ID: 1465198). An algorithm developed to predict the effect of missense changes on protein structure and function (PolyPhen-2) suggests that this variant is likely to be tolerated. In summary, the available evidence is currently insufficient to determine the role of this variant in disease. Therefore, it has been classified as a Variant of Uncertain Significance.

NM_006245.4(PPP2R5D):c.1709G>A (p.Arg570Gln)

Genes: MEA1 (male-enhanced antigen 1; minus strand), PPP2R5D (protein phosphatase 2 regulatory subunit B'delta; plus strand). Cytogenetic location: 6p21.1.
Variant type: single nucleotide variant.
Coding change: c.1709G>A on transcript NM_006245.4 (MANE Select); coding-DNA position 1709, G replaced by A.
Protein change: p.Arg570Gln; replaces arginine 570 with glutamine.
Molecular consequence: missense variant. On other transcripts: 3 prime UTR variant (1).
Genome position (GRCh38, 1-based): chr6:43,011,186, G>A. VCF-style: chr6-43011186-G-A. GRCh37 (hg19) VCF-style: chr6-42978924-G-A.
Other names: c.*1284C>T (NM_014623.4); c.1256G>A, p.Arg419Gln (NM_001270476.2); c.1613G>A, p.Arg538Gln (NM_180976.3); c.1391G>A, p.Arg464Gln (NM_180977.3); short protein forms R419Q, R538Q, R570Q, R464Q.
Identifiers: ClinVar variation 1465198 (VCV001465198.6), dbSNP rs1025433427, ClinGen allele CA138213553.